The following is an entry in ClinVar:

NM_015001.3(SPEN):c.10465C>T (p.His3489Tyr)

Gene: SPEN (spen family transcriptional repressor; plus strand). Cytogenetic location: 1p36.13.
Variant type: single nucleotide variant.
Coding change: c.10465C>T on transcript NM_015001.3 (MANE Select); coding-DNA position 10465, C replaced by T.
Protein change: p.His3489Tyr; replaces histidine 3489 with tyrosine.
Molecular consequence: missense variant.
Genome position (GRCh38, 1-based): chr1:15,937,601, C>T. VCF-style: chr1-15937601-C-T. GRCh37 (hg19) VCF-style: chr1-16264096-C-T.
Other names: short protein forms H3489Y.
Identifiers: ClinVar variation 3364964 (VCV003364964.1).

ClinVar aggregate classification (germline): Uncertain significance (1 of 4 stars; one submission).

gnomAD v4.1: 2 of 1,614,142 alleles (0.00012%); highest among the groups gnomAD compares: South Asian, 0.0022%; no homozygotes.

Submission:

GeneDx
Classification: Uncertain significance. Last evaluated: 2023-11-29. Review status: criteria provided, single submitter. Criteria: GeneDx Variant Classification Process June 2021. Collection method: clinical testing. Allele origin: germline. Affected: yes.
Comment: Not observed at significant frequency in large population cohorts (gnomAD); In silico analysis supports that this missense variant does not alter protein structure/function; Has not been previously published as pathogenic or benign to our knowledge